The following is an entry in ClinVar:

ClinVar aggregate classification (germline): Uncertain significance (1 of 4 stars; one submission).

Conditions:
Atypical hemolytic-uremic syndrome. Identifiers: Orphanet 2134, MedGen C2931788, MONDO:0016244.
Basal laminar drusen. Also called: DRUSEN OF BRUCH MEMBRANE; DRUSEN, CUTICULAR; DRUSEN, EARLY ADULT-ONSET, GROUPED. Identifiers: Orphanet 75376, MedGen C0730295, MONDO:0007472, OMIM 126700.
Factor H deficiency (CFHD). Also called: COMPLEMENT FACTOR H DEFICIENCY; CFH DEFICIENCY. Identifiers: Orphanet 200421, MedGen C0398777, MONDO:0012350, OMIM 609814.
Age related macular degeneration 4. Identifiers: MedGen C1853147, MONDO:0012540, OMIM 610698.

gnomAD v4.1: 1 of 1,614,000 alleles (0.000062%); highest among the groups gnomAD compares: Non-Finnish European, 0.000085%; no homozygotes.

Submission:

Genomenon, Inc
Classification: Uncertain significance for Basal laminar drusen; Age related macular degeneration 4; Atypical hemolytic-uremic syndrome; Factor H deficiency. Last evaluated: 2025-10-02. Review status: criteria provided, single submitter. Criteria: Genomenon Sequence Variant Interpretation Standards - Updated. Collection method: curation. Allele origin: germline. Affected: no.
Comment: CFH p.Ser36Tyr (c.107C>A) is a missense variant that changes the amino acid at residue 36 from Serine to Tyrosine. This variant has been reported in the published literature (PMID:23487775). It is absent or not present at a significant frequency in gnomAD. In silico models agree that this variant is not damaging. In conclusion, we classify CFH p.Ser36Tyr (c.107C>A) as a variant of uncertain significance.

Literature cited by the submitters: PubMed 23487775.

NM_000186.4(CFH):c.107C>A (p.Ser36Tyr)

Gene: CFH (complement factor H; plus strand). Cytogenetic location: 1q31.3.
Variant type: single nucleotide variant.
Coding change: c.107C>A on transcript NM_000186.4 (MANE Select); coding-DNA position 107, C replaced by A.
Protein change: p.Ser36Tyr; replaces serine 36 with tyrosine.
Molecular consequence: missense variant.
Genome position (GRCh38, 1-based): chr1:196,673,026, C>A. VCF-style: chr1-196673026-C-A. GRCh37 (hg19) VCF-style: chr1-196642156-C-A.
Other names: c.107C>A, p.Ser36Tyr (NM_001014975.3); short protein forms S36Y.
Identifiers: ClinVar variation 4291362 (VCV004291362.1).
Genomic context (GRCh38, chr1:196,673,026, plus strand): 5'-TATTGTTTGTAGATTGCAATGAACTTCCTCCAAGAAGAAATACAGAAATTCTGACAGGTT[C>A]CTGGTCTGACCAAACATATCCAGAAGGCACCCAGGCTATCTATAAATGCCGCCCTGGATA-3'
Protein context (NP_000177.2, residues 26-46): PRRNTEILTG[Ser36Tyr]WSDQTYPEGT